The following is an entry in ClinVar:

NM_003742.4(ABCB11):c.3346G>C (p.Gly1116Arg)

Gene: ABCB11 (ATP binding cassette subfamily B member 11; minus strand). Cytogenetic location: 2q31.1.
Variant type: single nucleotide variant.
Coding change: c.3346G>C on transcript NM_003742.4 (MANE Select); coding-DNA position 3346, G replaced by C.
Protein change: p.Gly1116Arg; replaces glycine 1116 with arginine.
Molecular consequence: missense variant.
Genome position (GRCh38, 1-based): chr2:168,930,730, C>G on the plus strand (G>C on the coding strand, the complement: ABCB11 is on the minus strand). VCF-style: chr2-168930730-C-G. GRCh37 (hg19) VCF-style: chr2-169787240-C-G.
Other names: short protein forms G1116R.
Identifiers: ClinVar variation 4846009 (VCV004846009.1).

ClinVar aggregate classification (germline): Uncertain significance (1 of 4 stars; one submission).

Conditions:
Familial intrahepatic cholestasis. Identifiers: Orphanet 284385, MedGen CN296401, MONDO:0017290.

Submission:

Genomenon, Inc
Classification: Uncertain significance for Familial intrahepatic cholestasis. Last evaluated: 2026-04-14. Review status: criteria provided, single submitter. Criteria: Genomenon Sequence Variant Interpretation Standards - Updated. Collection method: curation. Allele origin: germline. Affected: yes.
Comment: ABCB11 p.Gly1116Arg (c.3346G>C) is a missense variant that changes the amino acid at residue 1116 from Glycine to Arginine. This variant has been observed in at least one proband with an ABCB11-related disorder (PMID:19101985). Splicing studies have been reported (PMID:19101985). It is absent or not present at a significant frequency in gnomAD. In silico models predict that this variant is possibly or probably damaging. In conclusion, we classify ABCB11 p.Gly1116Arg (c.3346G>C) as a variant of uncertain significance.

Literature cited by the submitters: PubMed 19101985.